The following is an entry in ClinVar:

ClinVar aggregate classification (germline): Likely benign (1 of 4 stars; one submission).

Allele frequency attached by ClinVar (database versions not stated): TOPMed 0.00012.
gnomAD v4.1: 226 of 1,613,960 alleles (0.014%); highest among the groups gnomAD compares: Non-Finnish European, 0.018%; no homozygotes.

Submission:

GeneDx
Classification: Likely benign. Last evaluated: 2017-04-14. Review status: criteria provided, single submitter. Criteria: GeneDx Variant Classification (06012015). Collection method: clinical testing. Allele origin: germline. Affected: yes.
Comment: This variant is considered likely benign or benign based on one or more of the following criteria: it is a conservative change, it occurs at a poorly conserved position in the protein, it is predicted to be benign by multiple in silico algorithms, and/or has population frequency not consistent with disease.

NM_000108.5(DLD):c.-31G>A

Gene: DLD (dihydrolipoamide dehydrogenase; plus strand). Cytogenetic location: 7q31.1.
Variant type: single nucleotide variant.
Coding change: c.-31G>A on transcript NM_000108.5 (MANE Select); 31 bases upstream of the start codon, G replaced by A.
Molecular consequence: 5 prime UTR variant.
Genome position (GRCh38, 1-based): chr7:107,891,220, G>A. VCF-style: chr7-107891220-G-A. GRCh37 (hg19) VCF-style: chr7-107531665-G-A.
Other names: c.-179G>A (NM_001289750.1); c.-31G>A (NM_001289751.1, NM_001289752.1).
Identifiers: ClinVar variation 510914 (VCV000510914.1), dbSNP rs374293887, ClinGen allele CA4434300.